The following is an entry in ClinVar:

NM_001267550.2(TTN):c.48270C>T (p.Tyr16090=)

Genes: TTN (titin; minus strand), TTN-AS1 (TTN antisense RNA 1; plus strand). Cytogenetic location: 2q31.2.
Variant type: single nucleotide variant.
Coding change: c.48270C>T on transcript NM_001267550.2 (MANE Select); coding-DNA position 48270, C replaced by T.
Protein change: p.Tyr16090=; no amino-acid change (tyrosine 16090 retained).
Molecular consequence: synonymous variant.
Genome position (GRCh38, 1-based): chr2:178,616,521, G>A on the plus strand (C>T on the coding strand, the complement: TTN is on the minus strand). VCF-style: chr2-178616521-G-A. GRCh37 (hg19) VCF-style: chr2-179481248-G-A.
Other names: c.43347C>T, p.Tyr14449= (NM_001256850.1); c.40566C>T, p.Tyr13522= (NM_133378.4); c.21075C>T, p.Tyr7025= (NM_003319.4); c.21450C>T, p.Tyr7150= (NM_133432.3); c.21651C>T, p.Tyr7217= (NM_133437.4).
Identifiers: ClinVar variation 47020 (VCV000047020.33), dbSNP rs397517592, ClinGen allele CA139783.

ClinVar aggregate classification (germline): Likely benign. Review status: criteria provided, multiple submitters, no conflicts (2 of 4 stars). 5 submissions from 5 submitters: Likely benign (5). Last evaluated 2025-12-31.

Conditions:
Dilated cardiomyopathy 1G (CMD1G). Identifiers: Orphanet 154, MedGen C1858763, MONDO:0011400, OMIM 604145.
Autosomal recessive limb-girdle muscular dystrophy type 2J (LGMDR10). Also called: Limb-girdle muscular dystrophy, type 2J; MUSCULAR DYSTROPHY, LIMB-GIRDLE, AUTOSOMAL RECESSIVE 10. Identifiers: Orphanet 140922, MedGen C1837342, MONDO:0012127, OMIM 608807.
Cardiovascular phenotype. Identifiers: MedGen CN230736.

Allele frequency attached by ClinVar (database versions not stated): ExAC 0.00002; gnomAD exomes 0.00002 and 0.00003; gnomAD 0.00003 and 0.00004; TOPMed 0.00005.
gnomAD v4.1: 31 of 1,612,136 alleles (0.0019%); highest among the groups gnomAD compares: East Asian, 0.0089%; no homozygotes.

Submissions (5):

Labcorp Genetics (formerly Invitae), Labcorp
Classification: Likely benign for Dilated cardiomyopathy 1G; Autosomal recessive limb-girdle muscular dystrophy type 2J. Last evaluated: 2025-12-31. Review status: criteria provided, single submitter. Criteria: Invitae Variant Classification Sherloc (09022015). Collection method: clinical testing. Allele origin: germline.

CeGaT Center for Human Genetics Tuebingen
Classification: Likely benign. Last evaluated: 2024-07-01. Review status: criteria provided, single submitter. Criteria: CeGaT Center For Human Genetics Tuebingen Variant Classification Criteria Version 2. Collection method: clinical testing. Allele origin: germline. Affected: yes. Observed: 1 variant allele.
Comment: TTN: BP4, BP7

Ambry Genetics
Classification: Likely benign for Cardiovascular phenotype. Last evaluated: 2023-11-21. Review status: criteria provided, single submitter. Criteria: Ambry Variant Classification Scheme 2023. Collection method: clinical testing. Allele origin: germline.

GeneDx
Classification: Likely benign. Last evaluated: 2019-12-19. Review status: criteria provided, single submitter. Criteria: GeneDx Variant Classification Process June 2021. Collection method: clinical testing. Allele origin: germline. Affected: yes.

Laboratory for Molecular Medicine, Mass General Brigham Personalized Medicine
Classification: Likely benign. Last evaluated: 2013-02-27. Review status: criteria provided, single submitter. Criteria: LMM Criteria. Collection method: clinical testing. Allele origin: germline. Observed: 1 variant allele.
Comment: Tyr13522Tyr in exon 206 of TTN: This variant is not expected to have clinical si gnificance because it does not alter an amino acid residue and is not located wi thin the splice consensus sequence. Tyr13522Tyr in exon 206 of TTN (allele fre quency = n/a)